The following is an entry in ClinVar:

ClinVar aggregate classification (germline): Conflicting classifications of pathogenicity. Review status: criteria provided, conflicting classifications (1 of 4 stars). 9 submissions from 9 submitters: Uncertain significance (3); Benign (1); Likely benign (4). 1 of the submissions does not count toward it. Last evaluated 2026-01-22.

Conditions:
PSTPIP1-related disorder. Also called: PSTPIP1-related condition.
Autoinflammatory syndrome. Identifiers: Orphanet 93665, MedGen C3890737, MONDO:0019751.
Pyogenic arthritis-pyoderma gangrenosum-acne syndrome (PAPA). Also called: FAMILIAL RECURRENT ARTHRITIS; PAPA SYNDROME. Identifiers: Orphanet 69126, MedGen C1858361, MONDO:0011462, OMIM 604416.

Allele frequency attached by ClinVar (database versions not stated): ESP Exome Variant Server 0.00040; ExAC 0.00047; gnomAD 0.00049 and 0.00052; gnomAD exomes 0.00057 and 0.00061; TOPMed 0.00059; 1000 Genomes Project 0.00080; 1000 Genomes Project 30x 0.00094.

Submissions (9):

Labcorp Genetics (formerly Invitae), Labcorp
Classification: Likely benign for Pyogenic arthritis-pyoderma gangrenosum-acne syndrome. Last evaluated: 2026-01-22. Review status: criteria provided, single submitter. Criteria: Invitae Variant Classification Sherloc (09022015). Collection method: clinical testing. Allele origin: germline.

CeGaT Center for Human Genetics Tuebingen
Classification: Likely benign. Last evaluated: 2025-08-01. Review status: criteria provided, single submitter. Criteria: CeGaT Center For Human Genetics Tuebingen Variant Classification Criteria Version 2. Collection method: clinical testing. Allele origin: germline. Affected: yes. Observed: 2 variant alleles.
Comment: PSTPIP1: BP4

Women's Health and Genetics/Laboratory Corporation of America, LabCorp
Classification: Likely benign. Last evaluated: 2025-07-15. Review status: criteria provided, single submitter. Criteria: LabCorp Variant Classification Summary - May 2015. Collection method: clinical testing. Allele origin: germline.

ARUP Laboratories, Molecular Genetics and Genomics, ARUP Laboratories
Classification: Uncertain significance for Pyogenic arthritis-pyoderma gangrenosum-acne syndrome. Last evaluated: 2024-10-29. Review status: criteria provided, single submitter. Criteria: ARUP Molecular Germline Variant Investigation Process 2024. Collection method: clinical testing. Allele origin: germline.
Comment: The PSTPIP1 c.1213C>T; p.Arg405Cys variant (rs201253322, ClinVar variation ID: 242307), is reported in the literature in at least one individual affected with pyoderma gangrenosum, acne and suppurative hidradenitis (PASH) syndrome (Calderon-Castrat 2016), and in multiple individuals affected with pyogenic sterile arthritis, pyoderma gangrenosum, and acne (PAPA) syndrome (Starnes 2014, Stone 2022). This variant has also been reported in an individual with an autoinflammatory syndrome, hemophagocytic lymphohistiocytosis (Gowin 2021) and in an individual with hidradenitis suppurativa (Morales-Heil 2023). It is observed in the general population with an overall allele frequency of 0.057% (158/277726 alleles) in the Genome Aggregation Database (v2.1.1). Computational analyses predict that this variant is neutral (REVEL: 0.056). However, functional analyses of the variant protein show reduced binding of PSTPIP1 to WASp (Starnes 2014, Morales-Heil 2023). Due to conflicting information, the clinical significance of the p.Arg405Cys variant is uncertain at this time. References: Calderon-Castrat X et al. PSTPIP1 gene mutation in a pyoderma gangrenosum, acne and suppurative hidradenitis (PASH) syndrome. Br J Dermatol. 2016 Jul;175(1):194-8. PMID: 26713508 Gowin E et al. Mutation in the proline-serine-threonine phosphatase-interacting protein 1 (PSTPIP1) gene in a patient with acute lymphoblastic leukemia. Cent Eur J Immunol. 2021;46(2):270-274. PMID: 34764798. Morales-Heil DJ et al. Rare missense variants in the SH3 domain of PSTPIP1 are associated with hidradenitis suppurativa. HGG Adv. 2023 Mar 13;4(2):100187. PMID: 37013170. Starnes TW et al. The F-BAR protein PSTPIP1 controls extracellular matrix degradation and filopodia formation in macrophages. Blood. 2014 Apr 24;123(17):2703-14. PMID: 24421327 Stone DL et al. Excess Serum Interleukin-18 Distinguishes Patients With Pathogenic Mutations in PSTPIP1. Arthritis Rheumatol. 2022 Feb;74(2):353-357. PMID: 34492165.

Blueprint Genetics
Classification: Likely benign. Last evaluated: 2024-10-28. Review status: criteria provided, single submitter. Criteria: ACMG Guidelines, 2015. Collection method: clinical testing. Allele origin: germline.

Genome Diagnostics Laboratory, The Hospital for Sick Children
Classification: Uncertain significance for Autoinflammatory syndrome. Last evaluated: 2022-04-19. Review status: criteria provided, single submitter. Criteria: ACMG Guidelines, 2015. Collection method: clinical testing. Allele origin: germline. Affected: yes.

GeneDx
Classification: Uncertain significance. Last evaluated: 2022-02-17. Review status: criteria provided, single submitter. Criteria: GeneDx Variant Classification Process June 2021. Collection method: clinical testing. Allele origin: germline. Affected: yes.
Comment: Published functional studies demonstrate that R405C may alter the interaction of PSTPIP1 with cytoskeleton and cell migration regulators (Starnes et al., 2014); In silico analysis supports that this missense variant does not alter protein structure/function; This substitution does not occur in the coiled-coil domain region, the region where definitive PAPA-associated variants have been identified to date.; This variant is associated with the following publications: (PMID: 24764557, 27106250, 26713508, 30619323, 24421327, 32909274, 34764798, 32942279)

Illumina Laboratory Services, Illumina
Classification: Benign for Pyogenic arthritis-pyoderma gangrenosum-acne syndrome. Last evaluated: 2018-01-12. Review status: criteria provided, single submitter. Criteria: ICSL Variant Classification Criteria 13 December 2019. Collection method: clinical testing. Allele origin: germline.
Comment: This variant was observed in the ICSL laboratory as part of a predisposition screen in an ostensibly healthy population. It had not been previously curated by ICSL or reported in the Human Gene Mutation Database (HGMD: prior to June 1st, 2018), and was therefore a candidate for classification through an automated scoring system. Utilizing variant allele frequency, disease prevalence and penetrance estimates, and inheritance mode, an automated score was calculated to assess if this variant is too frequent to cause the disease. Based on the score and internal cut-off values, a variant classified as benign is not then subjected to further curation. The score for this variant resulted in a classification of benign for this disease.

PreventionGenetics, part of Exact Sciences
Classification: Likely benign for PSTPIP1-related condition. Last evaluated: 2023-11-03. Review status: no assertion criteria provided. Collection method: clinical testing. Allele origin: germline. Not counted in ClinVar's aggregate classification.
Comment: This variant is classified as likely benign based on ACMG/AMP sequence variant interpretation guidelines (Richards et al. 2015 PMID: 25741868, with internal and published modifications).

NM_003978.5(PSTPIP1):c.1213C>T (p.Arg405Cys)

Gene: PSTPIP1 (proline-serine-threonine phosphatase interacting protein 1; plus strand). Cytogenetic location: 15q24.3.
Variant type: single nucleotide variant.
Coding change: c.1213C>T on transcript NM_003978.5 (MANE Select); coding-DNA position 1213, C replaced by T.
Protein change: p.Arg405Cys; replaces arginine 405 with cysteine.
Molecular consequence: missense variant. On other transcripts: non-coding transcript variant (1).
Genome position (GRCh38, 1-based): chr15:77,037,138, C>T. VCF-style: chr15-77037138-C-T. GRCh37 (hg19) VCF-style: chr15-77329479-C-T.
Other names: c.1156C>T, p.Arg386Cys (NM_001321135.2); c.1186C>T, p.Arg396Cys (NM_001321136.2); c.1408C>T, p.Arg470Cys (NM_001321137.1); short protein forms R405C, R386C, R396C, R470C.
Identifiers: ClinVar variation 242307 (VCV000242307.44), dbSNP rs201253322, ClinGen allele CA7676229.